The following is an entry in ClinVar:

ClinVar aggregate classification (germline): Uncertain significance. Review status: criteria provided, multiple submitters, no conflicts (2 of 4 stars). 4 submissions from 4 submitters: Uncertain significance (4). Last evaluated 2025-02-04.

Conditions:
Tuberous sclerosis 2 (TSC2). Identifiers: Orphanet 805, MedGen C1860707, MONDO:0013199, OMIM 613254.
Hereditary cancer-predisposing syndrome. Also called: Hereditary Cancer Syndrome; Tumor predisposition; Hereditary neoplastic syndrome; Neoplastic Syndromes, Hereditary. Identifiers: Orphanet 140162, MedGen C0027672, MeSH D009386, MONDO:0015356.
Tuberous sclerosis syndrome (TSC). Also called: Tuberous Sclerosis Complex; Tuberous sclerosis. Identifiers: Orphanet 805, MedGen C0041341, MONDO:0001734.

Submissions (4):

Ambry Genetics
Classification: Uncertain significance for Hereditary cancer-predisposing syndrome. Last evaluated: 2025-02-04. Review status: criteria provided, single submitter. Criteria: Ambry Variant Classification Scheme 2023. Collection method: clinical testing. Allele origin: germline.
Comment: The p.A357E variant (also known as c.1070C>A), located in coding exon 10 of the TSC2 gene, results from a C to A substitution at nucleotide position 1070. The alanine at codon 357 is replaced by glutamic acid, an amino acid with dissimilar properties. This amino acid position is not well conserved in available vertebrate species. In addition, the in silico prediction for this alteration is inconclusive. Based on the available evidence, the clinical significance of this variant remains unclear.

All of Us Research Program, National Institutes of Health
Classification: Uncertain significance for Tuberous sclerosis syndrome. Last evaluated: 2024-04-10. Review status: criteria provided, single submitter. Criteria: ACMG Guidelines, 2015. Collection method: clinical testing. Allele origin: germline. Inheritance: Autosomal dominant inheritance. Observed: 1 variant allele, 1 heterozygote.
Comment: This study involves interpretation of variants in research participants for the purpose of population health screening. Participant phenotype was not available at the time of variant classification. Additional details can be found in publication PMID: 35346344, PMCID: PMC8962531

Labcorp Genetics (formerly Invitae), Labcorp
Classification: Uncertain significance for Tuberous sclerosis 2. Last evaluated: 2024-01-20. Review status: criteria provided, single submitter. Criteria: Invitae Variant Classification Sherloc (09022015). Collection method: clinical testing. Allele origin: germline.
Comment: This sequence change replaces alanine, which is neutral and non-polar, with glutamic acid, which is acidic and polar, at codon 357 of the TSC2 protein (p.Ala357Glu). This variant is not present in population databases (gnomAD no frequency). This variant has not been reported in the literature in individuals affected with TSC2-related conditions. ClinVar contains an entry for this variant (Variation ID: 1044925). Advanced modeling of protein sequence and biophysical properties (such as structural, functional, and spatial information, amino acid conservation, physicochemical variation, residue mobility, and thermodynamic stability) performed at Invitae indicates that this missense variant is not expected to disrupt TSC2 protein function with a negative predictive value of 95%. In summary, the available evidence is currently insufficient to determine the role of this variant in disease. Therefore, it has been classified as a Variant of Uncertain Significance.

Blueprint Genetics
Classification: Uncertain significance. Last evaluated: 2022-12-15. Review status: criteria provided, single submitter. Criteria: ACMG Guidelines, 2015. Collection method: clinical testing. Allele origin: germline.

NM_000548.5(TSC2):c.1070C>A (p.Ala357Glu)

Gene: TSC2 (TSC complex subunit 2; plus strand). Cytogenetic location: 16p13.3.
Variant type: single nucleotide variant.
Coding change: c.1070C>A on transcript NM_000548.5 (MANE Select); coding-DNA position 1070, C replaced by A.
Protein change: p.Ala357Glu; replaces alanine 357 with glutamic acid.
Molecular consequence: missense variant.
Genome position (GRCh38, 1-based): chr16:2,060,764, C>A. VCF-style: chr16-2060764-C-A. GRCh37 (hg19) VCF-style: chr16-2110765-C-A.
Other names: c.1070C>A, p.Ala357Glu (NM_001077183.3, NM_001114382.3, NM_001363528.2 and 3 more transcripts); c.959C>A, p.Ala320Glu (NM_001318827.2); c.923C>A, p.Ala308Glu (NM_001318829.2); c.470C>A, p.Ala157Glu (NM_001318831.2); c.1103C>A, p.Ala368Glu (NM_001318832.2); c.1070C>A (NM_000548.3); short protein forms A157E, A320E, A368E, A357E, A308E.
Identifiers: ClinVar variation 1044925 (VCV001044925.9), dbSNP rs150195368, ClinGen allele CA394317972.